The following is an entry in ClinVar:

ClinVar aggregate classification (germline): Likely benign. Review status: criteria provided, multiple submitters, no conflicts (2 of 4 stars). 4 submissions from 4 submitters: Likely benign (2). 2 of the submissions do not count toward it. Last evaluated 2025-01-06.

Conditions:
LRRK2-related disorder. Also called: LRRK2-related condition.
Autosomal dominant Parkinson disease 8. Also called: Parkinson disease 8, susceptibility to; LRRK2-Related Parkinson Disease; Parkinson disease 8. Identifiers: Orphanet 411602, MedGen C1846862, MONDO:0011764, OMIM 607060.

Allele frequency attached by ClinVar (database versions not stated): gnomAD 0.00001 and 0.00012; gnomAD exomes 0.00020 and 0.00014; TOPMed 0.00006; 1000 Genomes Project 30x 0.00094; ExAC 0.00025; 1000 Genomes Project 0.00100.
gnomAD v4.1: 215 of 1,613,256 alleles (0.013%); highest among the groups gnomAD compares: East Asian, 0.47%; no homozygotes.

Submissions (4):

Labcorp Genetics (formerly Invitae), Labcorp
Classification: Likely benign for Autosomal dominant Parkinson disease 8. Last evaluated: 2025-01-06. Review status: criteria provided, single submitter. Criteria: Invitae Variant Classification Sherloc (09022015). Collection method: clinical testing. Allele origin: germline.

Illumina Laboratory Services, Illumina
Classification: Likely benign for Autosomal dominant Parkinson disease 8. Last evaluated: 2018-01-12. Review status: criteria provided, single submitter. Criteria: ICSL Variant Classification Criteria 13 December 2019. Collection method: clinical testing. Allele origin: germline.
Comment: This variant was observed in the ICSL laboratory as part of a predisposition screen in an ostensibly healthy population. It had not been previously curated by ICSL or reported in the Human Gene Mutation Database (HGMD: prior to June 1st, 2018), and was therefore a candidate for classification through an automated scoring system. Utilizing variant allele frequency, disease prevalence and penetrance estimates, and inheritance mode, an automated score was calculated to assess if this variant is too frequent to cause the disease. Based on the score and internal cut-off values, a variant classified as likely benign is not then subjected to further curation. The score for this variant resulted in a classification of likely benign for this disease.

PreventionGenetics, part of Exact Sciences
Classification: Likely benign for LRRK2-related condition. Last evaluated: 2019-12-16. Review status: no assertion criteria provided. Collection method: clinical testing. Allele origin: germline. Not counted in ClinVar's aggregate classification.
Comment: This variant is classified as likely benign based on ACMG/AMP sequence variant interpretation guidelines (Richards et al. 2015 PMID: 25741868, with internal and published modifications).

GeneReviews
No classification provided. Condition: Autosomal dominant Parkinson disease 8. Review status: no classification provided. Collection method: literature only. Allele origin: unknown. Not counted in ClinVar's aggregate classification.

Literature cited by the submitters: PubMed 20301387 (cited by GeneReviews); NCBI Bookshelf NBK1208 (cited by GeneReviews).

NM_198578.4(LRRK2):c.4337C>T (p.Pro1446Leu)

Gene: LRRK2 (leucine rich repeat kinase 2; plus strand). Cytogenetic location: 12q12.
Variant type: single nucleotide variant.
Coding change: c.4337C>T on transcript NM_198578.4 (MANE Select); coding-DNA position 4337, C replaced by T.
Protein change: p.Pro1446Leu; replaces proline 1446 with leucine.
Molecular consequence: missense variant.
Genome position (GRCh38, 1-based): chr12:40,310,450, C>T. VCF-style: chr12-40310450-C-T. GRCh37 (hg19) VCF-style: chr12-40704252-C-T.
Other names: short protein forms P1446L.
Identifiers: ClinVar variation 39186 (VCV000039186.18), dbSNP rs74681492, ClinGen allele CA343583.